The following is an entry in ClinVar:

ClinVar aggregate classification (germline): Uncertain significance (1 of 4 stars; one submission).

Submission:

Labcorp Genetics (formerly Invitae), Labcorp
Classification: Uncertain significance. Last evaluated: 2025-03-16. Review status: criteria provided, single submitter. Criteria: Invitae Variant Classification Sherloc (09022015). Collection method: clinical testing. Allele origin: germline.
Comment: This sequence change replaces alanine, which is neutral and non-polar, with serine, which is neutral and polar, at codon 96 of the GATA5 protein (p.Ala96Ser). This variant is not present in population databases (gnomAD no frequency). This variant has not been reported in the literature in individuals affected with GATA5-related conditions. Invitae Evidence Modeling of protein sequence and biophysical properties (such as structural, functional, and spatial information, amino acid conservation, physicochemical variation, residue mobility, and thermodynamic stability) indicates that this missense variant is not expected to disrupt GATA5 protein function with a negative predictive value of 80%. In summary, the available evidence is currently insufficient to determine the role of this variant in disease. Therefore, it has been classified as a Variant of Uncertain Significance.

NM_080473.5(GATA5):c.286G>T (p.Ala96Ser)

Gene: GATA5 (GATA binding protein 5; minus strand). Cytogenetic location: 20q13.33.
Variant type: single nucleotide variant.
Coding change: c.286G>T on transcript NM_080473.5 (MANE Select); coding-DNA position 286, G replaced by T.
Protein change: p.Ala96Ser; replaces alanine 96 with serine.
Molecular consequence: missense variant.
Genome position (GRCh38, 1-based): chr20:62,475,236, C>A on the plus strand (G>T on the coding strand, the complement: GATA5 is on the minus strand). VCF-style: chr20-62475236-C-A. GRCh37 (hg19) VCF-style: chr20-61050292-C-A.
Other names: short protein forms A96S.
Identifiers: ClinVar variation 4776126 (VCV004776126.1).